The following is an entry in ClinVar:

ClinVar aggregate classification (germline): Uncertain significance (1 of 4 stars; one submission).

Allele frequency attached by ClinVar (database versions not stated): TOPMed below 0.00001; gnomAD 0.00001; gnomAD exomes 0.00001.
gnomAD v4.1: 9 of 1,613,978 alleles (0.00056%); highest among the groups gnomAD compares: African/African-American, 0.0013%; no homozygotes.

Submission:

Labcorp Genetics (formerly Invitae), Labcorp
Classification: Uncertain significance. Last evaluated: 2023-09-30. Review status: criteria provided, single submitter. Criteria: Invitae Variant Classification Sherloc (09022015). Collection method: clinical testing. Allele origin: germline.
Comment: This variant has not been reported in the literature in individuals affected with MTOR-related conditions. Advanced modeling of protein sequence and biophysical properties (such as structural, functional, and spatial information, amino acid conservation, physicochemical variation, residue mobility, and thermodynamic stability) performed at Invitae indicates that this missense variant is not expected to disrupt MTOR protein function. In summary, the available evidence is currently insufficient to determine the role of this variant in disease. Therefore, it has been classified as a Variant of Uncertain Significance. This variant is not present in population databases (gnomAD no frequency). This sequence change replaces asparagine, which is neutral and polar, with aspartic acid, which is acidic and polar, at codon 1505 of the MTOR protein (p.Asn1505Asp).

NM_004958.4(MTOR):c.4513A>G (p.Asn1505Asp)

Gene: MTOR (mechanistic target of rapamycin kinase; minus strand). Cytogenetic location: 1p36.22.
Variant type: single nucleotide variant.
Coding change: c.4513A>G on transcript NM_004958.4 (MANE Select); coding-DNA position 4513, A replaced by G.
Protein change: p.Asn1505Asp; replaces asparagine 1505 with aspartic acid.
Molecular consequence: missense variant.
Genome position (GRCh38, 1-based): chr1:11,150,183, T>C on the plus strand (A>G on the coding strand, the complement: MTOR is on the minus strand). VCF-style: chr1-11150183-T-C. GRCh37 (hg19) VCF-style: chr1-11210240-T-C.
Other names: c.4513A>G, p.Asn1505Asp (NM_001386500.1); c.3265A>G, p.Asn1089Asp (NM_001386501.1); short protein forms N1505D, N1089D.
Identifiers: ClinVar variation 2901386 (VCV002901386.3), dbSNP rs1644091517, ClinGen allele CA338369763.